The following is an entry in ClinVar:

NM_000444.6(PHEX):c.2148-1G>A

Genes: PTCHD1-AS (PTCHD1 and PHEX antisense RNA; minus strand), PHEX (phosphate regulating endopeptidase X-linked; plus strand). Cytogenetic location: Xp22.11.
Variant type: single nucleotide variant.
Coding change: c.2148-1G>A on transcript NM_000444.6 (MANE Select); the canonical splice acceptor site of the intron before coding-DNA position 2148, G replaced by A.
Molecular consequence: splice acceptor variant.
Genome position (GRCh38, 1-based): chrX:22,247,850, G>A. VCF-style: chrX-22247850-G-A. GRCh37 (hg19) VCF-style: chrX-22265967-G-A.
Other names: c.2071-1G>A (NM_001282754.2).
Identifiers: ClinVar variation 2169637 (VCV002169637.4), dbSNP rs1936436171, ClinGen allele CA412575341.

ClinVar aggregate classification (germline): Pathogenic (1 of 4 stars; one submission).

Submission:

Labcorp Genetics (formerly Invitae), Labcorp
Classification: Pathogenic. Last evaluated: 2022-08-08. Review status: criteria provided, single submitter. Criteria: Invitae Variant Classification Sherloc (09022015). Collection method: clinical testing. Allele origin: germline.
Comment: For these reasons, this variant has been classified as Pathogenic. Variants that disrupt the consensus splice site are a relatively common cause of aberrant splicing (PMID: 17576681, 9536098). Algorithms developed to predict the effect of sequence changes on RNA splicing suggest that this variant may disrupt the consensus splice site. Disruption of this splice site has been observed in individual(s) with hypophosphatemia and/or hypophosphatemic rickets (PMID: 19219621, 22101457, 30682568, 34434907). This variant is not present in population databases (gnomAD no frequency). This sequence change affects an acceptor splice site in intron 21 of the PHEX gene. While this variant is not anticipated to result in nonsense mediated decay, it likely alters RNA splicing and results in a disrupted protein product.

Literature cited by the submitters: PubMed 17576681; PubMed 9536098; PubMed 19219621; PubMed 22101457; PubMed 30682568; PubMed 34434907.